The following is an entry in ClinVar:

ClinVar aggregate classification (germline): Uncertain significance (1 of 4 stars; one submission).

Conditions:
Giant axonal neuropathy 1 (GAN1). Also called: GAN-Related Neurodegeneration; GIANT AXONAL NEUROPATHY 1, AUTOSOMAL RECESSIVE. Identifiers: Orphanet 643, MedGen C1850386, MONDO:0009749, OMIM 256850.

gnomAD v4.1: 2 of 1,535,008 alleles (0.00013%); highest among the groups gnomAD compares: South Asian, 0.0012%; no homozygotes.

Submission:

Labcorp Genetics (formerly Invitae), Labcorp
Classification: Uncertain significance for Giant axonal neuropathy 1. Last evaluated: 2024-02-03. Review status: criteria provided, single submitter. Criteria: Invitae Variant Classification Sherloc (09022015). Collection method: clinical testing. Allele origin: germline.
Comment: This sequence change replaces leucine, which is neutral and non-polar, with proline, which is neutral and non-polar, at codon 48 of the GAN protein (p.Leu48Pro). This variant is not present in population databases (gnomAD no frequency). This variant has not been reported in the literature in individuals affected with GAN-related conditions. Advanced modeling of protein sequence and biophysical properties (such as structural, functional, and spatial information, amino acid conservation, physicochemical variation, residue mobility, and thermodynamic stability) performed at Invitae indicates that this missense variant is expected to disrupt GAN protein function with a positive predictive value of 80%. In summary, the available evidence is currently insufficient to determine the role of this variant in disease. Therefore, it has been classified as a Variant of Uncertain Significance.

NM_022041.4(GAN):c.143T>C (p.Leu48Pro)

Genes: GAN (gigaxonin; plus strand), LOC130059498 (ATAC-STARR-seq lymphoblastoid silent region 7753; plus strand). Cytogenetic location: 16q23.2.
Variant type: single nucleotide variant.
Coding change: c.143T>C on transcript NM_022041.4 (MANE Select); coding-DNA position 143, T replaced by C.
Protein change: p.Leu48Pro; replaces leucine 48 with proline.
Molecular consequence: missense variant. On other transcripts: 5 prime UTR variant (1).
Genome position (GRCh38, 1-based): chr16:81,315,256, T>C. VCF-style: chr16-81315256-T-C. GRCh37 (hg19) VCF-style: chr16-81348861-T-C.
Other names: c.-382T>C (NM_001377486.1); short protein forms L48P.
Identifiers: ClinVar variation 3637587 (VCV003637587.2).